The following is an entry in ClinVar:

ClinVar aggregate classification (germline): Uncertain significance (1 of 4 stars; one submission).

Allele frequency attached by ClinVar (database versions not stated): ExAC 0.00002.
gnomAD v4.1: 3 of 1,614,118 alleles (0.00019%); highest among the groups gnomAD compares: Admixed American, 0.005%; no homozygotes.

Submission:

Labcorp Genetics (formerly Invitae), Labcorp
Classification: Uncertain significance. Last evaluated: 2024-01-09. Review status: criteria provided, single submitter. Criteria: Invitae Variant Classification Sherloc (09022015). Collection method: clinical testing. Allele origin: germline.
Comment: This sequence change replaces glycine, which is neutral and non-polar, with valine, which is neutral and non-polar, at codon 5 of the TAOK2 protein (p.Gly5Val). This variant is present in population databases (rs755199294, gnomAD 0.006%). This variant has not been reported in the literature in individuals affected with TAOK2-related conditions. ClinVar contains an entry for this variant (Variation ID: 1988920). An algorithm developed to predict the effect of missense changes on protein structure and function (PolyPhen-2) suggests that this variant is likely to be tolerated. In summary, the available evidence is currently insufficient to determine the role of this variant in disease. Therefore, it has been classified as a Variant of Uncertain Significance.

NM_016151.4(TAOK2):c.14G>T (p.Gly5Val)

Gene: TAOK2 (TAO kinase 2; plus strand). Cytogenetic location: 16p11.2.
Variant type: single nucleotide variant.
Coding change: c.14G>T on transcript NM_016151.4 (MANE Select); coding-DNA position 14, G replaced by T.
Protein change: p.Gly5Val; replaces glycine 5 with valine.
Molecular consequence: missense variant.
Genome position (GRCh38, 1-based): chr16:29,977,786, G>T. VCF-style: chr16-29977786-G-T. GRCh37 (hg19) VCF-style: chr16-29989107-G-T.
Other names: c.14G>T, p.Gly5Val (NM_001252043.2, NM_004783.4); short protein forms G5V.
Identifiers: ClinVar variation 1988920 (VCV001988920.4), dbSNP rs755199294, ClinGen allele CA7997692.